The following is an entry in ClinVar:

NM_001267550.2(TTN):c.82687C>T (p.Arg27563Cys)

Genes: TTN-AS1 (TTN antisense RNA 1; plus strand), TTN (titin; minus strand). Cytogenetic location: 2q31.2.
Variant type: single nucleotide variant.
Coding change: c.82687C>T on transcript NM_001267550.2 (MANE Select); coding-DNA position 82687, C replaced by T.
Protein change: p.Arg27563Cys; replaces arginine 27563 with cysteine.
Molecular consequence: missense variant.
Genome position (GRCh38, 1-based): chr2:178,563,445, G>A on the plus strand (C>T on the coding strand, the complement: TTN is on the minus strand). VCF-style: chr2-178563445-G-A. GRCh37 (hg19) VCF-style: chr2-179428172-G-A.
Other names: c.77764C>T, p.Arg25922Cys (NM_001256850.1); c.55492C>T, p.Arg18498Cys (NM_003319.4); c.74983C>T, p.Arg24995Cys (NM_133378.4); c.55867C>T, p.Arg18623Cys (NM_133432.3); c.56068C>T, p.Arg18690Cys (NM_133437.4); short protein forms R27563C, R24995C, R18498C, R18623C, R18690C, R25922C.
Identifiers: ClinVar variation 196063 (VCV000196063.12), dbSNP rs72648214, ClinGen allele CA242822.

ClinVar aggregate classification (germline): Conflicting classifications of pathogenicity. Review status: criteria provided, conflicting classifications (1 of 4 stars). 5 submissions from 5 submitters: Uncertain significance (4); Likely benign (1). Last evaluated 2022-04-13.

Conditions:
Cardiovascular phenotype. Identifiers: MedGen CN230736.
Myopathy, myofibrillar, 9, with early respiratory failure (MFM9). Also called: Hereditary myopathy with early respiratory failure; EDSTROM MYOPATHY; MYOPATHY, PROXIMAL, WITH EARLY RESPIRATORY MUSCLE INVOLVEMENT; Myopathy, distal, with early respiratory failure, autosomal dominant. Identifiers: Orphanet 178464, Orphanet 34521, MedGen C1863599, MONDO:0011362, OMIM 603689.
Hypertrophic cardiomyopathy 9. Also called: Familial hypertrophic cardiomyopathy 9. Identifiers: MedGen C1861065, MONDO:0013412, OMIM 613765.
Early-onset myopathy with fatal cardiomyopathy (CMYO5). Also called: CONGENITAL MYOPATHY 5 WITH CARDIOMYOPATHY; Salih Myopathy. Identifiers: Orphanet 289377, MedGen C2673677, MONDO:0012714, OMIM 611705. Disease mechanism: loss of function.
Tibial muscular dystrophy (TMD). Also called: Tibial muscular dystrophy, tardive; UDD MYOPATHY; Udd Distal Myopathy – Tibial Muscular Dystrophy. Identifiers: Orphanet 609, MedGen C1838244, MONDO:0010870, OMIM 600334.
Autosomal recessive limb-girdle muscular dystrophy type 2J (LGMDR10). Also called: MUSCULAR DYSTROPHY, LIMB-GIRDLE, AUTOSOMAL RECESSIVE 10; Limb-girdle muscular dystrophy, type 2J. Identifiers: Orphanet 140922, MedGen C1837342, MONDO:0012127, OMIM 608807.
Dilated cardiomyopathy 1G (CMD1G). Identifiers: Orphanet 154, MedGen C1858763, MONDO:0011400, OMIM 604145.

Allele frequency attached by ClinVar (database versions not stated): gnomAD 0.00001; TOPMed 0.00001; gnomAD exomes 0.00003; ExAC 0.00004.
gnomAD v4.1: 20 of 1,613,402 alleles (0.0012%); highest among the groups gnomAD compares: Middle Eastern, 0.016%; no homozygotes.

Submissions (5):

Blueprint Genetics
Classification: Likely benign. Last evaluated: 2022-04-13. Review status: criteria provided, single submitter. Criteria: ACMG Guidelines, 2015. Collection method: clinical testing. Allele origin: germline.

Fulgent Genetics
Classification: Uncertain significance for Tibial muscular dystrophy; Myopathy, myofibrillar, 9, with early respiratory failure; Dilated cardiomyopathy 1G; Autosomal recessive limb-girdle muscular dystrophy type 2J; Early-onset myopathy with fatal cardiomyopathy; Hypertrophic cardiomyopathy 9. Last evaluated: 2021-10-19. Review status: criteria provided, single submitter. Criteria: ACMG Guidelines, 2015. Collection method: clinical testing. Allele origin: unknown.

Revvity Omics, Revvity
Classification: Uncertain significance. Last evaluated: 2019-11-25. Review status: criteria provided, single submitter. Criteria: ACMG Guidelines, 2015. Collection method: clinical testing. Allele origin: germline.

Ambry Genetics
Classification: Uncertain significance for Cardiovascular phenotype. Last evaluated: 2019-02-21. Review status: criteria provided, single submitter. Criteria: Ambry Variant Classification Scheme 2023. Collection method: clinical testing. Allele origin: germline.
Comment: The p.R18498C variant (also known as c.55492C>T), located in coding exon 153 of the TTN gene, results from a C to T substitution at nucleotide position 55492. The arginine at codon 18498 is replaced by cysteine, an amino acid with highly dissimilar properties. This variant was reported (as NM_001267550.1:c.82687C>T p.R27564C) in an individual with dilated cardiomyopathy (DCM); however, the individual also had an additional TTN variant and clinical details were limited (Begay RL et al. J Am Heart Assoc, 2015 Nov;4:[Epub ahead of print]). This amino acid position is well conserved in available vertebrate species. In addition, this alteration is predicted to be tolerated by in silico analysis. Since supporting evidence is limited at this time, the clinical significance of this alteration remains unclear.

Eurofins Ntd Llc (ga)
Classification: Uncertain significance. Last evaluated: 2014-06-04. Review status: criteria provided, single submitter. Criteria: EGL Classification Definitions 2015. Collection method: clinical testing. Allele origin: germline. Observed: 2 variant alleles, 1 heterozygote.

Literature cited by the submitters: PubMed 26567375 (cited by Ambry Genetics).